The following is an entry in ClinVar:

ClinVar aggregate classification (germline): Uncertain significance. Review status: criteria provided, multiple submitters, no conflicts (2 of 4 stars). 2 submissions from 2 submitters: Uncertain significance (2). Last evaluated 2025-03-10.

Allele frequency attached by ClinVar (database versions not stated): ExAC 0.00012; 1000 Genomes Project 30x 0.00031; 1000 Genomes Project 0.00040; gnomAD 0.00058; TOPMed 0.00058; ESP Exome Variant Server 0.00069.

Submissions (2):

Labcorp Genetics (formerly Invitae), Labcorp
Classification: Uncertain significance. Last evaluated: 2025-03-10. Review status: criteria provided, single submitter. Criteria: Invitae Variant Classification Sherloc (09022015). Collection method: clinical testing. Allele origin: germline.
Comment: This sequence change replaces arginine, which is basic and polar, with methionine, which is neutral and non-polar, at codon 110 of the NDUFB10 protein (p.Arg110Met). This variant is present in population databases (rs144544024, gnomAD 0.2%), and has an allele count higher than expected for a pathogenic variant. This variant has not been reported in the literature in individuals affected with NDUFB10-related conditions. ClinVar contains an entry for this variant (Variation ID: 2142415). An algorithm developed to predict the effect of missense changes on protein structure and function (PolyPhen-2) suggests that this variant is likely to be disruptive. In summary, the available evidence is currently insufficient to determine the role of this variant in disease. Therefore, it has been classified as a Variant of Uncertain Significance.

Ambry Genetics
Classification: Uncertain significance. Last evaluated: 2023-08-14. Review status: criteria provided, single submitter. Criteria: Ambry Variant Classification Scheme 2023. Collection method: clinical testing. Allele origin: germline.

NM_004548.3(NDUFB10):c.329G>T (p.Arg110Met)

Genes: NDUFB10 (NADH:ubiquinone oxidoreductase subunit B10; plus strand), LOC130058198 (ATAC-STARR-seq lymphoblastoid active region 10241; plus strand). Cytogenetic location: 16p13.3.
Variant type: single nucleotide variant.
Coding change: c.329G>T on transcript NM_004548.3 (MANE Select); coding-DNA position 329, G replaced by T.
Protein change: p.Arg110Met; replaces arginine 110 with methionine.
Molecular consequence: missense variant.
Genome position (GRCh38, 1-based): chr16:1,961,556, G>T. VCF-style: chr16-1961556-G-T. GRCh37 (hg19) VCF-style: chr16-2011557-G-T.
Other names: c.329G>T (NM_004548.2); short protein forms R110M.
Identifiers: ClinVar variation 2142415 (VCV002142415.6), dbSNP rs144544024, ClinGen allele CA7823344.